The following is an entry in ClinVar:

ClinVar aggregate classification (germline): Likely pathogenic (1 of 4 stars; one submission).

Conditions:
Kabuki syndrome 2 (KABUK2). Also called: KDM6A-Related Kabuki Syndrome. Identifiers: Orphanet 2322, MedGen C3275495, MONDO:0010465, OMIM 300867.

Submissions (2):

Labcorp Genetics (formerly Invitae), Labcorp
Classification: Likely pathogenic for Kabuki syndrome 2. Last evaluated: 2018-06-19. Review status: criteria provided, single submitter. Criteria: Invitae Variant Classification Sherloc (09022015). Collection method: clinical testing. Allele origin: germline.
Comment: In summary, the currently available evidence indicates that the variant is pathogenic, but additional data are needed to prove that conclusively. Therefore, this variant has been classified as Likely Pathogenic. Donor and acceptor splice site variants typically lead to a loss of protein function (PMID: 16199547), and loss-of-function variants in KDM6A are known to be pathogenic (PMID: 23076834). This variant has not been reported in the literature in individuals with KDM6A-related disease. This variant is not present in population databases (ExAC no frequency). This sequence change affects a donor splice site in intron 19 of the KDM6A gene. It is expected to disrupt RNA splicing and likely results in an absent or disrupted protein product.

Dr. Peter K. Rogan Lab, Western University
No classification provided (evidence only). Condition: Nonpapillary renal cell carcinoma. Review status: no classification provided. Collection method: in vitro. Allele origin: not applicable. Functional consequence: retained intron. Not counted in ClinVar's aggregate classification.

Literature cited by the submitters: PubMed 16199547 (cited by Labcorp Genetics (formerly Invitae), Labcorp); PubMed 23076834 (cited by Labcorp Genetics (formerly Invitae), Labcorp).

NM_001291415.2(KDM6A):c.3094+2T>C

Gene: KDM6A (lysine demethylase 6A; plus strand). Cytogenetic location: Xp11.3.
Variant type: single nucleotide variant.
Coding change: c.3094+2T>C on transcript NM_001291415.2 (MANE Select); the canonical splice donor site of the intron after coding-DNA position 3094, T replaced by C.
Molecular consequence: splice donor variant.
Genome position (GRCh38, 1-based): chrX:45,078,507, T>C. VCF-style: chrX-45078507-T-C. GRCh37 (hg19) VCF-style: chrX-44937752-T-C.
Other names: c.2938+2T>C (NM_021140.4); c.2836+2T>C (NM_001410742.1); c.2959+2T>C (NM_001291416.2); c.2803+2T>C (NM_001291417.2); c.2701+2T>C (NM_001291418.2); c.2050+2T>C (NM_001291421.2).
Identifiers: ClinVar variation 582366 (VCV000582366.8), dbSNP rs1569537333, ClinGen allele CA412799777.